The following is an entry in ClinVar:

ClinVar aggregate classification (germline): Uncertain significance (1 of 4 stars; one submission).

gnomAD v4.1: 3 of 1,607,824 alleles (0.00019%); highest among the groups gnomAD compares: East Asian, 0.0022%; no homozygotes.

Submission:

GeneDx
Classification: Uncertain significance. Last evaluated: 2022-02-18. Review status: criteria provided, single submitter. Criteria: GeneDx Variant Classification Process June 2021. Collection method: clinical testing. Allele origin: germline. Affected: yes.
Comment: Not observed at significant frequency in large population cohorts (gnomAD); In silico analysis supports that this missense variant has a deleterious effect on protein structure/function; Has not been previously published as pathogenic or benign to our knowledge

NM_001378328.1(CELSR1):c.6533C>G (p.Thr2178Arg)

Gene: CELSR1 (cadherin EGF LAG seven-pass G-type receptor 1; minus strand). Cytogenetic location: 22q13.31.
Variant type: single nucleotide variant.
Coding change: c.6533C>G on transcript NM_001378328.1 (MANE Select); coding-DNA position 6533, C replaced by G.
Protein change: p.Thr2178Arg; replaces threonine 2178 with arginine.
Molecular consequence: missense variant.
Genome position (GRCh38, 1-based): chr22:46,389,312, G>C on the plus strand (C>G on the coding strand, the complement: CELSR1 is on the minus strand). VCF-style: chr22-46389312-G-C. GRCh37 (hg19) VCF-style: chr22-46785209-G-C.
Other names: c.6533C>G, p.Thr2178Arg (NM_014246.4); short protein forms T2178R.
Identifiers: ClinVar variation 1702553 (VCV001702553.2), dbSNP rs534737219, ClinGen allele CA10293758.